The following is an entry in ClinVar:

ClinVar aggregate classification (germline): Conflicting classifications of pathogenicity. Review status: criteria provided, conflicting classifications (1 of 4 stars). 8 submissions from 8 submitters: Uncertain significance (5); Benign (1); Likely benign (2). Last evaluated 2026-02-01.

Conditions:
FLNA-related disorder.
Oto-palato-digital syndrome, type II (OPD2). Also called: Otopalatodigital Syndrome, Type II; FACIOPALATOOSSEOUS SYNDROME; Otopalatodigital Syndrome Type 2 (FLNA-OPD2); OPD II SYNDROME. Identifiers: Orphanet 669, Orphanet 90652, MedGen C1844696, MONDO:0010571, OMIM 304120.
Frontometaphyseal dysplasia (FMD1). Identifiers: Orphanet 1826, MedGen C0265293, MONDO:0015942.
Heterotopia, periventricular, X-linked dominant (PVNH1). Also called: PERIVENTRICULAR NODULAR HETEROTOPIA 4; HETEROTOPIA, PERIVENTRICULAR, 1; PERIVENTRICULAR NODULAR HETEROTOPIA 1; X-linked periventricular heterotopia. Identifiers: Orphanet 2149, Orphanet 82004, MedGen C1848213, MONDO:0010233, OMIM 300049.
Melnick-Needles syndrome (MNS). Also called: MELNICK-NEEDLES OSTEODYSPLASTY; Melnick-Needles Syndrome (FLNA-MNS); OSTEODYSPLASTY OF MELNICK AND NEEDLES. Identifiers: Orphanet 2484, MedGen C0025237, MONDO:0010650, OMIM 309350.
Familial thoracic aortic aneurysm and aortic dissection (TAAD). Also called: Thoracic aortic aneurysms and dissections. Identifiers: Orphanet 91387, MedGen C4707243, MONDO:0019625.

Allele frequency attached by ClinVar (database versions not stated): ExAC 0.00008; gnomAD exomes 0.00009 and 0.00007; gnomAD 0.00001; TOPMed 0.00003.
gnomAD v4.1: 93 of 1,210,274 alleles (0.0077%); highest among the groups gnomAD compares: Non-Finnish European, 0.01%; no homozygotes.

Submissions (8):

Labcorp Genetics (formerly Invitae), Labcorp
Classification: Benign for Oto-palato-digital syndrome, type II; Heterotopia, periventricular, X-linked dominant; Frontometaphyseal dysplasia; Melnick-Needles syndrome. Last evaluated: 2026-02-01. Review status: criteria provided, single submitter. Criteria: Invitae Variant Classification Sherloc (09022015). Collection method: clinical testing. Allele origin: germline.

PreventionGenetics, part of Exact Sciences
Classification: Likely benign for FLNA-related condition. Last evaluated: 2025-04-23. Review status: criteria provided, single submitter. Criteria: ACMG Guidelines, 2015. Collection method: clinical testing. Allele origin: germline.
Comment: This variant is classified as likely benign based on ACMG/AMP sequence variant interpretation guidelines (Richards et al. 2015 PMID: 25741868, with internal and published modifications).

Mayo Clinic Laboratories, Mayo Clinic
Classification: Uncertain significance. Last evaluated: 2025-03-28. Review status: criteria provided, single submitter. Criteria: ACMG Guidelines, 2015. Collection method: clinical testing. Allele origin: germline. Observed: 1 variant allele.
Comment: BS2, PP2, PP3_moderate

Ambry Genetics
Classification: Uncertain significance for Familial thoracic aortic aneurysm and aortic dissection. Last evaluated: 2024-12-12. Review status: criteria provided, single submitter. Criteria: Ambry Variant Classification Scheme 2023. Collection method: clinical testing. Allele origin: germline.
Comment: The p.R2383H variant (also known as c.7148G>A), located in coding exon 43 of the FLNA gene, results from a G to A substitution at nucleotide position 7148. The arginine at codon 2383 is replaced by histidine, an amino acid with highly similar properties. This amino acid position is highly conserved in available vertebrate species. In addition, this alteration is predicted to be deleterious by in silico analysis. Based on data from gnomAD, the A allele has an overall frequency of 0.007% (13/181611) total alleles studied, with 3 hemizygote(s) observed. The highest observed frequency was 0.01% (12/81373) of non-Finnish European alleles. Based on the available evidence, the clinical significance of this variant remains unclear.

Revvity Omics, Revvity
Classification: Uncertain significance. Last evaluated: 2023-01-18. Review status: criteria provided, single submitter. Criteria: ACMG Guidelines, 2015. Collection method: clinical testing. Allele origin: germline.

ARUP Laboratories, Molecular Genetics and Genomics, ARUP Laboratories
Classification: Uncertain significance. Last evaluated: 2022-03-08. Review status: criteria provided, single submitter. Criteria: ARUP Molecular Germline Variant Investigation Process 2021. Collection method: clinical testing. Allele origin: germline.
Comment: The FLNA c.7148G>A; p.Arg2383His variant (rs727503930) is reported in the literature in an individual affected with otopalatodigital syndrome; however, the variant was detected in the patient’s unaffected mother who was shown to have random X chromosome inactivation (Moutton 2016). This variant is also reported in ClinVar (Variation ID: 167077), and is found in the non-Finnish European population with an allele frequency of 0.015% (12/81,373 alleles, including 3 hemizygotes) in the Genome Aggregation Database. The arginine at codon 2383 is highly conserved, and computational analyses predict that this variant is deleterious (REVEL: 0.827). However, given the lack of clinical and functional data, the significance of this variant is uncertain at this time. References: Moutton S et al. Otopalatodigital spectrum disorders: refinement of the phenotypic and mutational spectrum. J Hum Genet. 2016 Aug;61(8):693-9. PMID: 27193221.

GeneDx
Classification: Likely benign. Last evaluated: 2021-02-03. Review status: criteria provided, single submitter. Criteria: GeneDx Variant Classification Process June 2021. Collection method: clinical testing. Allele origin: germline. Affected: yes.
Comment: This variant is associated with the following publications: (PMID: 27193221)

Eurofins Ntd Llc (ga)
Classification: Uncertain significance. Last evaluated: 2014-03-19. Review status: criteria provided, single submitter. Criteria: EGL Classification Definitions 2015. Collection method: clinical testing. Allele origin: germline. Observed: 2 variant alleles, 1 heterozygote, 1 hemizygote.

Literature cited by the submitters: PubMed 27193221 (cited by Mayo Clinic Laboratories, Mayo Clinic and Ambry Genetics); PubMed 30476936 (cited by Mayo Clinic Laboratories, Mayo Clinic and Ambry Genetics); PubMed 37647632 (cited by Mayo Clinic Laboratories, Mayo Clinic).

NM_001110556.2(FLNA):c.7172G>A (p.Arg2391His)

Gene: FLNA (filamin A; minus strand). Cytogenetic location: Xq28.
Variant type: single nucleotide variant.
Coding change: c.7172G>A on transcript NM_001110556.2 (MANE Select); coding-DNA position 7172, G replaced by A.
Protein change: p.Arg2391His; replaces arginine 2391 with histidine.
Molecular consequence: missense variant.
Genome position (GRCh38, 1-based): chrX:154,350,192, C>T on the plus strand (G>A on the coding strand, the complement: FLNA is on the minus strand). VCF-style: chrX-154350192-C-T. GRCh37 (hg19) VCF-style: chrX-153578560-C-T.
Other names: c.7172G>A (NM_001110556.1); c.7148G>A, p.Arg2383His (NM_001456.4); short protein forms R2383H, R2391H.
Identifiers: ClinVar variation 167077 (VCV000167077.26), dbSNP rs727503930, ClinGen allele CA234011.